The following is an entry in ClinVar:

ClinVar aggregate classification (germline): Likely benign (0 of 4 stars; one submission).

Conditions:
STARD9-related disorder. Also called: STARD9-related condition.

Allele frequency attached by ClinVar (database versions not stated): gnomAD 0.00001; ExAC 0.00023.
gnomAD v4.1: 30 of 1,537,118 alleles (0.002%); highest among the groups gnomAD compares: South Asian, 0.025%; no homozygotes.

Submission:

PreventionGenetics, part of Exact Sciences
Classification: Likely benign for STARD9-related condition. Last evaluated: 2019-02-22. Review status: no assertion criteria provided. Collection method: clinical testing. Allele origin: germline.
Comment: This variant is classified as likely benign based on ACMG/AMP sequence variant interpretation guidelines (Richards et al. 2015 PMID: 25741868, with internal and published modifications).

NM_020759.3(STARD9):c.9381G>C (p.Val3127=)

Gene: STARD9 (StAR related lipid transfer domain containing 9; plus strand). Cytogenetic location: 15q15.2.
Variant type: single nucleotide variant.
Coding change: c.9381G>C on transcript NM_020759.3 (MANE Select); coding-DNA position 9381, G replaced by C.
Protein change: p.Val3127=; no amino-acid change (valine 3127 retained).
Molecular consequence: synonymous variant.
Genome position (GRCh38, 1-based): chr15:42,690,959, G>C. VCF-style: chr15-42690959-G-C. GRCh37 (hg19) VCF-style: chr15-42983157-G-C.
Identifiers: ClinVar variation 3058528 (VCV003058528.2), dbSNP rs753335888, ClinGen allele CA7514658.